The following is an entry in ClinVar:

ClinVar aggregate classification (germline): Uncertain significance (1 of 4 stars; one submission).

Conditions:
Familial thoracic aortic aneurysm and aortic dissection (TAAD). Also called: Thoracic aortic aneurysms and dissections. Identifiers: Orphanet 91387, MedGen C4707243, MONDO:0019625.

gnomAD v4.1: 5 of 1,613,330 alleles (0.00031%); highest among the groups gnomAD compares: African/African-American, 0.0067%; no homozygotes.

Submission:

Ambry Genetics
Classification: Uncertain significance for Familial thoracic aortic aneurysm and aortic dissection. Last evaluated: 2025-12-02. Review status: criteria provided, single submitter. Criteria: Ambry Variant Classification Scheme 2023. Collection method: clinical testing. Allele origin: germline.
Comment: The p.R410G variant (also known as c.1228C>G), located in coding exon 12 of the PLOD1 gene, results from a C to G substitution at nucleotide position 1228. The arginine at codon 410 is replaced by glycine, an amino acid with dissimilar properties. This amino acid position is conserved. In addition, the in silico prediction for this alteration is inconclusive. Since supporting evidence is limited at this time, the clinical significance of this alteration remains unclear.

NM_000302.4(PLOD1):c.1228C>G (p.Arg410Gly)

Gene: PLOD1 (procollagen-lysine,2-oxoglutarate 5-dioxygenase 1; plus strand). Cytogenetic location: 1p36.22.
Variant type: single nucleotide variant.
Coding change: c.1228C>G on transcript NM_000302.4 (MANE Select); coding-DNA position 1228, C replaced by G.
Protein change: p.Arg410Gly; replaces arginine 410 with glycine.
Molecular consequence: missense variant.
Genome position (GRCh38, 1-based): chr1:11,964,200, C>G. VCF-style: chr1-11964200-C-G. GRCh37 (hg19) VCF-style: chr1-12024257-C-G.
Other names: c.1369C>G, p.Arg457Gly (NM_001316320.2); short protein forms R457G, R410G.
Identifiers: ClinVar variation 2626605 (VCV002626605.3), dbSNP rs559232378, ClinGen allele CA598335.